The following is an entry in ClinVar:

NM_000289.6(PFKM):c.1734_1735del (p.Tyr579fs)

Gene: PFKM (phosphofructokinase, muscle; plus strand). Cytogenetic location: 12q13.11.
Variant type: Deletion.
Coding change: c.1734_1735del on transcript NM_000289.6 (MANE Select); coding-DNA positions 1734 to 1735, 2 bases deleted (CT; older notation c.1734_1735delCT).
Protein change: p.Tyr579fs; shifts the reading frame from tyrosine 579.
Molecular consequence: frameshift variant. On other transcripts: non-coding transcript variant (6).
Genome position (GRCh38, 1-based): chr12:48,142,862-48,142,863, CT deleted. VCF-style (leftmost placement, unchanged base first): chr12-48142861-GCT-G. GRCh37 (hg19) VCF-style: chr12-48536644-GCT-G.
Other names: c.1947_1948del, p.Tyr650fs (NM_001166686.2, NM_001354737.1, NM_001354738.1 and 1 more transcripts); c.1734_1735del, p.Tyr579fs (NM_001166687.2, NM_001166688.2, NM_001354742.2 and 2 more transcripts); c.2043_2044del, p.Tyr682fs (NM_001354735.1, NM_001354736.1); c.1878_1879del, p.Tyr627fs (NM_001354740.1); c.1758_1759del, p.Tyr587fs (NM_001354741.2); c.1647_1648del, p.Tyr550fs (NM_001354745.2); c.1608_1609del, p.Tyr537fs (NM_001354746.2); c.1584_1585del, p.Tyr529fs (NM_001354747.2, NM_001354748.2); and 1 more; short protein forms Y529fs, Y537fs, Y548fs, Y550fs, Y579fs, Y587fs, Y627fs, Y650fs.
Identifiers: ClinVar variation 1724831 (VCV001724831.2), dbSNP rs2498611146, ClinGen allele CA2580085471.

ClinVar aggregate classification (germline): Likely pathogenic (1 of 4 stars; one submission).

Conditions:
Glycogen storage disease, type VII (GSD7). Also called: GSD VII; MUSCLE PHOSPHOFRUCTOKINASE DEFICIENCY; PFKM DEFICIENCY; TARUI DISEASE. Identifiers: Orphanet 371, MedGen C0017926, MONDO:0009295, OMIM 232800.

Submission:

Myriad Genetics, Inc.
Classification: Likely pathogenic for Glycogen storage disease, type VII. Last evaluated: 2022-02-28. Review status: criteria provided, single submitter. Criteria: Myriad Women's Health Autosomal Recessive and X-Linked Classification Criteria (2021). Collection method: clinical testing. Allele origin: unknown.
Comment: NM_001166686.1(PFKM):c.1947_1948delCT(Y650Pfs*18) is expected to be pathogenic in the context of glycogen storage disease type VII. This variant is predicted to lead to an abnormal or absent protein product due to the creation of a premature termination codon in PFKM, a gene where loss-of-function variants are known to be pathogenic. Please note: this variant was assessed in the context of healthy population screening.